The following is an entry in ClinVar:

ClinVar aggregate classification (germline): Likely benign. Review status: criteria provided, multiple submitters, no conflicts (2 of 4 stars). 3 submissions from 3 submitters: Likely benign (2). 1 of the submissions does not count toward it. Last evaluated 2024-04-09.

Conditions:
GLYCTK-related disorder. Also called: GLYCTK-related condition.

Allele frequency attached by ClinVar (database versions not stated): gnomAD 0.00007 and 0.00009; ExAC 0.00008; TOPMed 0.00012; 1000 Genomes Project 0.00020; 1000 Genomes Project 30x 0.00031.
gnomAD v4.1: 73 of 1,613,358 alleles (0.0045%); highest among the groups gnomAD compares: Admixed American, 0.017%; 1 homozygote.

Submissions (3):

Labcorp Genetics (formerly Invitae), Labcorp
Classification: Likely benign. Last evaluated: 2024-04-09. Review status: criteria provided, single submitter. Criteria: Invitae Variant Classification Sherloc (09022015). Collection method: clinical testing. Allele origin: germline.

CeGaT Center for Human Genetics Tuebingen
Classification: Likely benign. Last evaluated: 2022-10-01. Review status: criteria provided, single submitter. Criteria: CeGaT Center For Human Genetics Tuebingen Variant Classification Criteria Version 2. Collection method: clinical testing. Allele origin: germline. Affected: yes. Observed: 2 variant alleles.
Comment: GLYCTK: BP4, BP7

PreventionGenetics, part of Exact Sciences
Classification: Likely benign for GLYCTK-related condition. Last evaluated: 2019-06-25. Review status: no assertion criteria provided. Collection method: clinical testing. Allele origin: germline. Not counted in ClinVar's aggregate classification.
Comment: This variant is classified as likely benign based on ACMG/AMP sequence variant interpretation guidelines (Richards et al. 2015 PMID: 25741868, with internal and published modifications).

NM_145262.4(GLYCTK):c.153G>A (p.Pro51=)

Gene: GLYCTK (glycerate kinase; plus strand). Cytogenetic location: 3p21.2.
Variant type: single nucleotide variant.
Coding change: c.153G>A on transcript NM_145262.4 (MANE Select); coding-DNA position 153, G replaced by A.
Protein change: p.Pro51=; no amino-acid change (proline 51 retained).
Molecular consequence: synonymous variant. On other transcripts: non-coding transcript variant (3).
Genome position (GRCh38, 1-based): chr3:52,290,495, G>A. VCF-style: chr3-52290495-G-A. GRCh37 (hg19) VCF-style: chr3-52324511-G-A.
Other names: c.153G>A, p.Pro51= (NM_001144951.2).
Identifiers: ClinVar variation 734926 (VCV000734926.31), dbSNP rs199870798, ClinGen allele CA2431998.